The following is an entry in ClinVar:

NM_015192.4(PLCB1):c.3643C>T (p.Pro1215Ser)

Gene: PLCB1 (phospholipase C beta 1; plus strand). Cytogenetic location: 20p12.3.
Variant type: single nucleotide variant.
Coding change: c.3643C>T on transcript NM_015192.4 (MANE Select); coding-DNA position 3643, C replaced by T.
Protein change: p.Pro1215Ser; replaces proline 1215 with serine.
Molecular consequence: missense variant. On other transcripts: 3 prime UTR variant (1).
Genome position (GRCh38, 1-based): chr20:8,881,841, C>T. VCF-style: chr20-8881841-C-T. GRCh37 (hg19) VCF-style: chr20-8862488-C-T.
Other names: p.Pro1215Ser; c.*239C>T (NM_182734.3); short protein forms P1215S.
Identifiers: ClinVar variation 211913 (VCV000211913.60), dbSNP rs138077430, ClinGen allele CA205333.
Genomic context (GRCh38, chr20:8,881,841, plus strand): 5'-CACAAGACTCCCTCCAGTGAGGAGCTGGGAGGAGACATCCCAGGAAAAGAATTTGATACT[C>T]CTCTGTGAATGCTCCTGCCAGGCCTTCAGAAATTGCATGGCCACTCCAGCGTCATCGGAC-3'
Protein context (NP_056007.1, residues 1205-1216): GDIPGKEFDT[Pro1215Ser]L

ClinVar aggregate classification (germline): Conflicting classifications of pathogenicity. Review status: criteria provided, conflicting classifications (1 of 4 stars). 8 submissions from 8 submitters: Uncertain significance (7); Likely benign (1). Last evaluated 2026-03-17.

Conditions:
Inborn genetic diseases. Identifiers: MedGen C0950123, MeSH D030342.
Developmental and epileptic encephalopathy, 12 (DEE12). Identifiers: MedGen C3150988, MONDO:0013389, OMIM 613722.

Allele frequency attached by ClinVar (database versions not stated): ESP Exome Variant Server 0.00023; ExAC 0.00028; gnomAD exomes 0.00030; gnomAD 0.00032 and 0.00033; TOPMed 0.00037; 1000 Genomes Project 0.00040; 1000 Genomes Project 30x 0.00047.
gnomAD v4.1: 478 of 1,608,296 alleles (0.03%); highest among the groups gnomAD compares: Admixed American, 0.038%; no homozygotes.

Submissions (8):

GeneDx
Classification: Uncertain significance. Last evaluated: 2026-03-17. Review status: criteria provided, single submitter. Criteria: GeneDx Variant Classification Process June 2021. Collection method: clinical testing. Allele origin: germline.
Comment: In silico analysis suggests that this missense variant does not alter protein structure/function; Observed in the heterozygous state in a patient with epilepsy; however, no further clinical information was provided (PMID: 40565516); This variant is associated with the following publications: (PMID: 40565516)

Ambry Genetics
Classification: Likely benign for Inborn genetic diseases. Last evaluated: 2025-09-19. Review status: criteria provided, single submitter. Criteria: Ambry Variant Classification Scheme 2023. Collection method: clinical testing. Allele origin: germline.

Mayo Clinic Laboratories, Mayo Clinic
Classification: Uncertain significance. Last evaluated: 2025-07-11. Review status: criteria provided, single submitter. Criteria: ACMG Guidelines, 2015. Collection method: clinical testing. Allele origin: germline. Observed: 1 variant allele.
Comment: BP4_moderate, PP2

Blueprint Genetics
Classification: Uncertain significance. Last evaluated: 2024-11-21. Review status: criteria provided, single submitter. Criteria: ACMG Guidelines, 2015. Collection method: clinical testing. Allele origin: germline.

Labcorp Genetics (formerly Invitae), Labcorp
Classification: Uncertain significance for Developmental and epileptic encephalopathy, 12. Last evaluated: 2022-11-01. Review status: criteria provided, single submitter. Criteria: Invitae Variant Classification Sherloc (09022015). Collection method: clinical testing. Allele origin: germline.
Comment: This sequence change replaces proline, which is neutral and non-polar, with serine, which is neutral and polar, at codon 1215 of the PLCB1 protein (p.Pro1215Ser). This variant is present in population databases (rs138077430, gnomAD 0.05%). This variant has not been reported in the literature in individuals affected with PLCB1-related conditions. ClinVar contains an entry for this variant (Variation ID: 211913). Algorithms developed to predict the effect of missense changes on protein structure and function output the following: SIFT: "Deleterious"; PolyPhen-2: "Benign"; Align-GVGD: "Class C0". The serine amino acid residue is found in multiple mammalian species, which suggests that this missense change does not adversely affect protein function. In summary, the available evidence is currently insufficient to determine the role of this variant in disease. Therefore, it has been classified as a Variant of Uncertain Significance.

CeGaT Center for Human Genetics Tuebingen
Classification: Uncertain significance. Last evaluated: 2018-06-01. Review status: criteria provided, single submitter. Criteria: CeGaT Center For Human Genetics Tuebingen Variant Classification Criteria Version 2. Collection method: clinical testing. Allele origin: germline. Affected: yes. Observed: 1 variant allele.

Illumina Laboratory Services, Illumina
Classification: Uncertain significance for Developmental and epileptic encephalopathy, 12. Last evaluated: 2018-01-12. Review status: criteria provided, single submitter. Criteria: ICSL Variant Classification Criteria 13 December 2019. Collection method: clinical testing. Allele origin: germline.

Genetic Services Laboratory, University of Chicago
Classification: Uncertain significance. Last evaluated: 2015-08-05. Review status: criteria provided, single submitter. Criteria: ACMG Guidelines, 2015. Collection method: clinical testing. Allele origin: germline.